The following is an entry in ClinVar:

ClinVar aggregate classification (germline): Likely pathogenic (1 of 4 stars; one submission).

Conditions:
Autosomal dominant Alport syndrome (ATS3A). Also called: Alport syndrome dominant type; Renal failure and sensorineural hearing loss; ALPORT SYNDROME 3A, AUTOSOMAL DOMINANT. Identifiers: Orphanet 63, Orphanet 88918, MedGen C5882663, MONDO:0007086, OMIM 104200.

Submission:

Genetics laboratory, Institute of Kidney Diseases & Research Centre Dr. H.L. Trivedi Institute Of Transplantation Sciences
Classification: Likely pathogenic for Autosomal dominant Alport syndrome. Last evaluated: 2025-11-12. Review status: criteria provided, single submitter. Criteria: ACMG Guidelines, 2015. Collection method: clinical testing. Allele origin: germline. Inheritance: Autosomal dominant inheritance. Affected: yes. Observed: 1 variant allele, 1 heterozygote.
Comment: The COL4A3:c.2266G>T (p.Gly756Cys) variant is classified as Likely Pathogenic according to American College of Medical Genetics and Genomics 2015 guidelines. It results in substitution of a highly conserved glycine residue within the collagenous domain, which is essential for triple helix formation and represents a known mutational hotspot in Alport syndrome. The variant is absent/rare in population databases, and computational predictions support a deleterious effect on protein structure and function.

NM_000091.5(COL4A3):c.2266G>T (p.Gly756Cys)

Genes: COL4A3 (collagen type IV alpha 3 chain; plus strand), MFF-DT (MFF divergent transcript; minus strand). Cytogenetic location: 2q36.3.
Variant type: single nucleotide variant.
Coding change: c.2266G>T on transcript NM_000091.5 (MANE Select); coding-DNA position 2266, G replaced by T.
Protein change: p.Gly756Cys; replaces glycine 756 with cysteine.
Molecular consequence: missense variant.
Genome position (GRCh38, 1-based): chr2:227,280,482, G>T. VCF-style: chr2-227280482-G-T. GRCh37 (hg19) VCF-style: chr2-228145198-G-T.
Other names: short protein forms G756C.
Identifiers: ClinVar variation 4851299 (VCV004851299.1).